The following is an entry in ClinVar:

ClinVar aggregate classification (germline): Conflicting classifications of pathogenicity. Review status: criteria provided, conflicting classifications (1 of 4 stars). 2 submissions from 2 submitters: Uncertain significance (1); Likely benign (1). Last evaluated 2024-02-02.

Conditions:
Hereditary cancer-predisposing syndrome. Also called: Hereditary neoplastic syndrome; Neoplastic Syndromes, Hereditary; Tumor predisposition; Hereditary Cancer Syndrome. Identifiers: Orphanet 140162, MedGen C0027672, MeSH D009386, MONDO:0015356.
Microcephaly, normal intelligence and immunodeficiency (NBS). Also called: IMMUNODEFICIENCY, MICROCEPHALY, AND CHROMOSOMAL INSTABILITY; SEEMANOVA SYNDROME II; Nijmegen breakage syndrome; Microcephaly with normal intelligence immunodeficiency and lymphoreticular malignancies; Nonsyndromal microcephaly autosomal recessive with normal intelligence; Seemanova syndrome 2. Identifiers: Orphanet 647, MedGen C0398791, MONDO:0009623, OMIM 251260.

gnomAD v4.1: 1 of 1,613,536 alleles (0.000062%); highest among the groups gnomAD compares: Non-Finnish European, 0.000085%; no homozygotes.

Submissions (2):

Ambry Genetics
Classification: Uncertain significance for Hereditary cancer-predisposing syndrome. Last evaluated: 2024-02-02. Review status: criteria provided, single submitter. Criteria: Ambry Variant Classification Scheme 2023. Collection method: clinical testing. Allele origin: germline.
Comment: The c.45A>C variant (also known as p.P15P), located in coding exon 2 of the NBN gene, results from an A to C substitution at nucleotide position 45. This nucleotide substitution does not change the proline at codon 15. This nucleotide position is not well conserved in available vertebrate species. In silico splice site analysis for this alteration is inconclusive. Based on the available evidence, the clinical significance of this alteration remains unclear.

Labcorp Genetics (formerly Invitae), Labcorp
Classification: Likely benign for Microcephaly, normal intelligence and immunodeficiency. Last evaluated: 2023-10-04. Review status: criteria provided, single submitter. Criteria: Invitae Variant Classification Sherloc (09022015). Collection method: clinical testing. Allele origin: germline.

NM_002485.5(NBN):c.45A>C (p.Pro15=)

Gene: NBN (nibrin; minus strand). Cytogenetic location: 8q21.3.
Variant type: single nucleotide variant.
Coding change: c.45A>C on transcript NM_002485.5 (MANE Select); coding-DNA position 45, A replaced by C.
Protein change: p.Pro15=; no amino-acid change (proline 15 retained).
Molecular consequence: synonymous variant. On other transcripts: 5 prime UTR variant (1).
Genome position (GRCh38, 1-based): chr8:89,982,848, T>G on the plus strand (A>C on the coding strand, the complement: NBN is on the minus strand). VCF-style: chr8-89982848-T-G. GRCh37 (hg19) VCF-style: chr8-90995076-T-G.
Other names: c.-252A>C (NM_001024688.3).
Identifiers: ClinVar variation 461565 (VCV000461565.10), dbSNP rs577332041, ClinGen allele CA461831586.